The following is an entry in ClinVar:

NM_005159.5(ACTC1):c.-50G>A

Genes: GJD2-DT (GJD2 divergent transcript; plus strand), ACTC1 (actin alpha cardiac muscle 1; minus strand). Cytogenetic location: 15q14.
Variant type: single nucleotide variant.
Coding change: c.-50G>A on transcript NM_005159.5 (MANE Select); 50 bases upstream of the start codon, G replaced by A.
Molecular consequence: 5 prime UTR variant.
Genome position (GRCh38, 1-based): chr15:34,795,533, C>T on the plus strand (G>A on the coding strand, the complement: ACTC1 is on the minus strand). VCF-style: chr15-34795533-C-T. GRCh37 (hg19) VCF-style: chr15-35087734-C-T.
Identifiers: ClinVar variation 888269 (VCV000888269.7), dbSNP rs139691739, ClinGen allele CA268665738.

ClinVar aggregate classification (germline): Benign/Likely benign. Review status: criteria provided, multiple submitters, no conflicts (2 of 4 stars). 4 submissions from 3 submitters: Benign (1); Likely benign (3). Last evaluated 2018-01-13.

Conditions:
Hypertrophic cardiomyopathy 11. Also called: ACTC1-Related Familial Hypertrophic Cardiomyopathy. Identifiers: MedGen C2677506, MONDO:0012799, OMIM 612098.
Dilated cardiomyopathy 1R (CMD1R). Identifiers: Orphanet 154, Orphanet 54260, MedGen C3150681, MONDO:0013261, OMIM 613424.

Allele frequency attached by ClinVar (database versions not stated): gnomAD exomes 0.00239; 1000 Genomes Project 0.00619; gnomAD 0.00689 and 0.00724; 1000 Genomes Project 30x 0.00874; TOPMed 0.00878.
gnomAD v4.1: 1,041 of 152,050 alleles (0.68%); highest among the groups gnomAD compares: Middle Eastern, 5%; 14 homozygotes.

Submissions (4):

Illumina Laboratory Services, Illumina
Classification: Likely benign for Dilated cardiomyopathy 1R. Last evaluated: 2018-01-13. Review status: criteria provided, single submitter. Criteria: ICSL Variant Classification Criteria 13 December 2019. Collection method: clinical testing. Allele origin: germline.
Comment: This variant was observed in the ICSL laboratory as part of a predisposition screen in an ostensibly healthy population. It had not been previously curated by ICSL or reported in the Human Gene Mutation Database (HGMD: prior to June 1st, 2018), and was therefore a candidate for classification through an automated scoring system. Utilizing variant allele frequency, disease prevalence and penetrance estimates, and inheritance mode, an automated score was calculated to assess if this variant is too frequent to cause the disease. Based on the score and internal cut-off values, a variant classified as likely benign is not then subjected to further curation. The score for this variant resulted in a classification of likely benign for this disease.

Illumina Laboratory Services, Illumina
Classification: Likely benign for Hypertrophic cardiomyopathy 11. Last evaluated: 2018-01-13. Review status: criteria provided, single submitter. Criteria: ICSL Variant Classification Criteria 13 December 2019. Collection method: clinical testing. Allele origin: germline.
Comment: the same text as in the submission from Illumina Laboratory Services, Illumina above.

GeneDx
Classification: Benign. Last evaluated: 2015-03-03. Review status: criteria provided, single submitter. Criteria: GeneDx Variant Classification Process June 2021. Collection method: clinical testing. Allele origin: germline. Affected: yes.

Breakthrough Genomics
Classification: Likely benign. Review status: criteria provided, single submitter. Criteria: ACMG Guidelines, 2015. Collection method: not provided. Allele origin: germline. Inheritance: Autosomal dominant inheritance. Affected: yes.